The following is an entry in ClinVar:

ClinVar aggregate classification (germline): Uncertain significance (1 of 4 stars; one submission).

Allele frequency attached by ClinVar (database versions not stated): gnomAD exomes below 0.00001; gnomAD 0.00001.
gnomAD v4.1: 8 of 1,598,454 alleles (0.0005%); highest among the groups gnomAD compares: Admixed American, 0.012%; no homozygotes.

Submission:

Labcorp Genetics (formerly Invitae), Labcorp
Classification: Uncertain significance. Last evaluated: 2022-02-04. Review status: criteria provided, single submitter. Criteria: Invitae Variant Classification Sherloc (09022015). Collection method: clinical testing. Allele origin: germline.
Comment: This sequence change falls in intron 9 of the ASNS gene. It does not directly change the encoded amino acid sequence of the ASNS protein. It affects a nucleotide within the consensus splice site. This variant is not present in population databases (gnomAD no frequency). This variant has not been reported in the literature in individuals affected with ASNS-related conditions. Variants that disrupt the consensus splice site are a relatively common cause of aberrant splicing (PMID: 17576681, 9536098). Algorithms developed to predict the effect of sequence changes on RNA splicing suggest that this variant is not likely to affect RNA splicing. In summary, the available evidence is currently insufficient to determine the role of this variant in disease. Therefore, it has been classified as a Variant of Uncertain Significance.

Literature cited by the submitters: PubMed 17576681; PubMed 9536098.

NM_001673.5(ASNS):c.1137+5C>A

Genes: ASNS (asparagine synthetase (glutamine-hydrolyzing); minus strand), CZ1P-ASNS (CZ1P-ASNS readthrough; minus strand). Cytogenetic location: 7q21.3.
Variant type: single nucleotide variant.
Coding change: c.1137+5C>A on transcript NM_001673.5 (MANE Select); 5 bases into the intron after coding-DNA position 1137, C replaced by A.
Molecular consequence: intron variant.
Genome position (GRCh38, 1-based): chr7:97,855,348, G>T on the plus strand (C>A on the coding strand, the complement: ASNS is on the minus strand). VCF-style: chr7-97855348-G-T. GRCh37 (hg19) VCF-style: chr7-97484660-G-T.
Other names: c.1137+5C>A (NM_001352496.2, NM_183356.4, NM_133436.3); c.888+5C>A (NM_001178076.2, NM_001178077.1); c.1074+5C>A (NM_001178075.2).
Identifiers: ClinVar variation 1484596 (VCV001484596.3), dbSNP rs1190082216, ClinGen allele CA844347998.